The following is an entry in ClinVar:

NM_005219.5(DIAPH1):c.3322C>T (p.His1108Tyr)

Gene: DIAPH1 (diaphanous related formin 1; minus strand). Cytogenetic location: 5q31.3.
Variant type: single nucleotide variant.
Coding change: c.3322C>T on transcript NM_005219.5 (MANE Select); coding-DNA position 3322, C replaced by T.
Protein change: p.His1108Tyr; replaces histidine 1108 with tyrosine.
Molecular consequence: missense variant.
Genome position (GRCh38, 1-based): chr5:141,526,413, G>A on the plus strand (C>T on the coding strand, the complement: DIAPH1 is on the minus strand). VCF-style: chr5-141526413-G-A. GRCh37 (hg19) VCF-style: chr5-140905980-G-A.
Other names: c.3295C>T, p.His1099Tyr (NM_001079812.3); c.3322C>T, p.His1108Tyr (NM_001314007.2); short protein forms H1099Y, H1108Y.
Identifiers: ClinVar variation 655416 (VCV000655416.9), dbSNP rs749063652, ClinGen allele CA3478802.

ClinVar aggregate classification (germline): Uncertain significance (1 of 4 stars; one submission).

Conditions:
Autosomal dominant nonsyndromic hearing loss 1. Also called: DEAFNESS, AUTOSOMAL DOMINANT 1, WITH OR WITHOUT THROMBOCYTOPENIA; KONIGSMARK SYNDROME. Identifiers: Orphanet 90635, MedGen C1852282, MONDO:0007424, OMIM 124900.
Progressive microcephaly-seizures-cortical blindness-developmental delay syndrome. Also called: Seizures, cortical blindness, and microcephaly syndrome. Identifiers: Orphanet 477814, MedGen C5567650, MONDO:0014714, OMIM 616632.

Allele frequency attached by ClinVar (database versions not stated): gnomAD exomes 0.00003 and 0.00002; gnomAD 0.00003; TOPMed 0.00003; ExAC 0.00002.
gnomAD v4.1: 32 of 1,614,036 alleles (0.002%); highest among the groups gnomAD compares: Non-Finnish European, 0.00068%; no homozygotes.

Submission:

Labcorp Genetics (formerly Invitae), Labcorp
Classification: Uncertain significance for Progressive microcephaly-seizures-cortical blindness-developmental delay syndrome; Autosomal dominant nonsyndromic hearing loss 1. Last evaluated: 2025-12-03. Review status: criteria provided, single submitter. Criteria: Invitae Variant Classification Sherloc (09022015). Collection method: clinical testing. Allele origin: germline.
Comment: This sequence change replaces histidine, which is basic and polar, with tyrosine, which is neutral and polar, at codon 1108 of the DIAPH1 protein (p.His1108Tyr). This variant is present in population databases (rs749063652, gnomAD 0.08%). This variant has not been reported in the literature in individuals affected with DIAPH1-related conditions. ClinVar contains an entry for this variant (Variation ID: 655416). An algorithm developed to predict the effect of missense changes on protein structure and function (PolyPhen-2) suggests that this variant is likely to be disruptive. In summary, the available evidence is currently insufficient to determine the role of this variant in disease. Therefore, it has been classified as a Variant of Uncertain Significance.